The following is an entry in ClinVar:

NM_000169.3(GLA):c.141G>C (p.Trp47Cys)

Genes: GLA (galactosidase alpha; minus strand), RPL36A-HNRNPH2 (RPL36A-HNRNPH2 readthrough; plus strand). Cytogenetic location: Xq22.1.
Variant type: single nucleotide variant.
Coding change: c.141G>C on transcript NM_000169.3 (MANE Select); coding-DNA position 141, G replaced by C.
Protein change: p.Trp47Cys; replaces tryptophan 47 with cysteine.
Molecular consequence: missense variant. On other transcripts: intron variant (2), non-coding transcript variant (3).
Genome position (GRCh38, 1-based): chrX:101,407,763, C>G on the plus strand (G>C on the coding strand, the complement: GLA is on the minus strand). VCF-style: chrX-101407763-C-G. GRCh37 (hg19) VCF-style: chrX-100662751-C-G.
Other names: c.178-4173C>G (NM_001199974.2); c.141G>C, p.Trp47Cys (NM_001406747.1, NM_001406748.1, NM_001406749.1); c.301-4173C>G (NM_001199973.2); short protein forms W47C.
Identifiers: ClinVar variation 524213 (VCV000524213.9), dbSNP rs1555987101, ClinGen allele CA413937045.
Genomic context (GRCh38, chrX:101,407,763, plus strand): 5'-CTGATACCTGATGCAGGAATCTGGCTCTTCCTGGCAGTCAAGGTTGCACATGAAGCGCTC[C>G]CAGTGCAGCCAGCCCATGGTAGGCGTCCTTGCCAATCCATTGTCCAGTGCTCTAGCCCCA-3'
Protein context (NP_000160.1, residues 37-57): ARTPTMGWLH[Trp47Cys]ERFMCNLDCQ

ClinVar aggregate classification (germline): Conflicting classifications of pathogenicity. Review status: criteria provided, conflicting classifications (1 of 4 stars). 2 submissions from 2 submitters: Pathogenic (1); Uncertain significance (1). Last evaluated 2024-05-21.

Conditions:
Fabry disease. Also called: Fabry's disease; Angiokeratoma corporis diffusum; ALPHA-GALACTOSIDASE A DEFICIENCY; ANDERSON-FABRY DISEASE; CERAMIDE TRIHEXOSIDASE DEFICIENCY; GLA DEFICIENCY. Identifiers: Orphanet 324, MedGen C0002986, MONDO:0010526, OMIM 301500, HP:0001071. Disease mechanism: loss of function, Fabry disease is due to inactivating mutations in the X-linked GLA gene resulting in deficiency of the enzyme Alpha Galactosidase-A..

Submissions (2):

Labcorp Genetics (formerly Invitae), Labcorp
Classification: Pathogenic for Fabry disease. Last evaluated: 2024-05-21. Review status: criteria provided, single submitter. Criteria: Invitae Variant Classification Sherloc (09022015). Collection method: clinical testing. Allele origin: germline.
Comment: This sequence change replaces tryptophan, which is neutral and slightly polar, with cysteine, which is neutral and slightly polar, at codon 47 of the GLA protein (p.Trp47Cys). This variant is not present in population databases (gnomAD no frequency). This missense change has been observed in individual(s) with Fabry disease (Invitae). It has also been observed to segregate with disease in related individuals. ClinVar contains an entry for this variant (Variation ID: 524213). Advanced modeling of protein sequence and biophysical properties (such as structural, functional, and spatial information, amino acid conservation, physicochemical variation, residue mobility, and thermodynamic stability) performed at Invitae indicates that this missense variant is expected to disrupt GLA protein function with a positive predictive value of 80%. This variant disrupts the p.Trp47 amino acid residue in GLA. Other variant(s) that disrupt this residue have been determined to be pathogenic (PMID: 11668641, 27211852). This suggests that this residue is clinically significant, and that variants that disrupt this residue are likely to be disease-causing. For these reasons, this variant has been classified as Pathogenic.

Revvity Omics, Revvity
Classification: Uncertain significance. Last evaluated: 2023-05-26. Review status: criteria provided, single submitter. Criteria: ACMG Guidelines, 2015. Collection method: clinical testing. Allele origin: germline.

Literature cited by the submitters: PubMed 11668641 (cited by Labcorp Genetics (formerly Invitae), Labcorp); PubMed 27211852 (cited by Labcorp Genetics (formerly Invitae), Labcorp).